The following is an entry in ClinVar:

ClinVar aggregate classification (germline): Pathogenic (1 of 4 stars; one submission).

Submission:

Labcorp Genetics (formerly Invitae), Labcorp
Classification: Pathogenic. Last evaluated: 2022-10-17. Review status: criteria provided, single submitter. Criteria: Invitae Variant Classification Sherloc (09022015). Collection method: clinical testing. Allele origin: germline.
Comment: A gross deletion of the genomic region encompassing the full coding sequence of the GPR143 gene has been identified. Loss-of-function variants in GPR143 are known to be pathogenic (PMID: 15965158, 18978956, 19390656, 21541274, 26160353, 28211458). The boundaries of this event are unknown as they extend beyond the assayed region for this gene and therefore may encompass additional genes. A similar copy number variant has been observed in individual(s) with ocular albinism (PMID: 9640203). For these reasons, this variant has been classified as Pathogenic.

Literature cited by the submitters: PubMed 15965158; PubMed 18978956; PubMed 19390656; PubMed 21541274; PubMed 26160353; PubMed 28211458; PubMed 9640203.

NC_000023.10:g.(?_9621627)_(9751474_?)del

Genes: GPR143 (G protein-coupled receptor 143; minus strand), TBL1X (transducin beta like 1 X-linked; plus strand). Cytogenetic location: Xp22.2.
Variant type: Deletion.
Identifiers: ClinVar variation 2422761 (VCV002422761.3).